The following is an entry in ClinVar:

ClinVar aggregate classification (germline): Uncertain significance (1 of 4 stars; one submission).

Submission:

Labcorp Genetics (formerly Invitae), Labcorp
Classification: Uncertain significance. Last evaluated: 2023-02-04. Review status: criteria provided, single submitter. Criteria: Invitae Variant Classification Sherloc (09022015). Collection method: clinical testing. Allele origin: germline.
Comment: This sequence change replaces glycine, which is neutral and non-polar, with serine, which is neutral and polar, at codon 163 of the KCNH1 protein (p.Gly163Ser). This variant is not present in population databases (gnomAD no frequency). This variant has not been reported in the literature in individuals affected with KCNH1-related conditions. Advanced modeling of protein sequence and biophysical properties (such as structural, functional, and spatial information, amino acid conservation, physicochemical variation, residue mobility, and thermodynamic stability) performed at Invitae indicates that this missense variant is expected to disrupt KCNH1 protein function. In summary, the available evidence is currently insufficient to determine the role of this variant in disease. Therefore, it has been classified as a Variant of Uncertain Significance.

NM_172362.3(KCNH1):c.487G>A (p.Gly163Ser)

Gene: KCNH1 (potassium voltage-gated channel subfamily H member 1; minus strand). Cytogenetic location: 1q32.2.
Variant type: single nucleotide variant.
Coding change: c.487G>A on transcript NM_172362.3 (MANE Select); coding-DNA position 487, G replaced by A.
Protein change: p.Gly163Ser; replaces glycine 163 with serine.
Molecular consequence: missense variant.
Genome position (GRCh38, 1-based): chr1:211,082,851, C>T on the plus strand (G>A on the coding strand, the complement: KCNH1 is on the minus strand). VCF-style: chr1-211082851-C-T. GRCh37 (hg19) VCF-style: chr1-211256193-C-T.
Other names: c.487G>A, p.Gly163Ser (NM_002238.4); short protein forms G163S.
Identifiers: ClinVar variation 2834708 (VCV002834708.3), dbSNP rs2526782603, ClinGen allele CA344875079.
Genomic context (GRCh38, chr1:211,082,851, plus strand): 5'-GGGAGTGCTTGTGGACATTCTCGCCTTTTTGCACGCTTGGAGCCAGCTGCTGCAGGACAC[C>T]CCTGCTGCTTGTCAGTGCTCTTGTCAGCCGAGCAAACTTCCCCCAGCCTGAAGCAAGTGG-3'
Protein context (NP_758872.1, residues 153-173): RLTRALTSSR[Gly163Ser]VLQQLAPSVQ